The following is an entry in ClinVar:

NM_000310.4(PPT1):c.628-2A>T

Gene: PPT1 (palmitoyl-protein thioesterase 1; minus strand). Cytogenetic location: 1p34.2.
Variant type: single nucleotide variant.
Coding change: c.628-2A>T on transcript NM_000310.4 (MANE Select); the canonical splice acceptor site of the intron before coding-DNA position 628, A replaced by T.
Molecular consequence: splice acceptor variant.
Genome position (GRCh38, 1-based): chr1:40,078,660, T>A on the plus strand (A>T on the coding strand, the complement: PPT1 is on the minus strand). VCF-style: chr1-40078660-T-A. GRCh37 (hg19) VCF-style: chr1-40544332-T-A.
Other names: c.319-2A>T (NM_001142604.2); c.628-2A>T (NM_001363695.2).
Identifiers: ClinVar variation 2764049 (VCV002764049.3), dbSNP rs2124472385, ClinGen allele CA339846993.

ClinVar aggregate classification (germline): Pathogenic (1 of 4 stars; one submission).

Conditions:
Neuronal ceroid lipofuscinosis 1 (CLN1). Also called: PPT1-Related Neuronal Ceroid-Lipofuscinosis; CEROID LIPOFUSCINOSIS, NEURONAL, 1, VARIABLE AGE AT ONSET. Identifiers: Orphanet 228329, MedGen C1850451, MONDO:0009744, OMIM 256730.

Submission:

Labcorp Genetics (formerly Invitae), Labcorp
Classification: Pathogenic for Neuronal ceroid lipofuscinosis 1. Last evaluated: 2023-10-26. Review status: criteria provided, single submitter. Criteria: Invitae Variant Classification Sherloc (09022015). Collection method: clinical testing. Allele origin: germline.
Comment: This sequence change affects an acceptor splice site in intron 6 of the PPT1 gene. It is expected to disrupt RNA splicing. Variants that disrupt the donor or acceptor splice site typically lead to a loss of protein function (PMID: 16199547), and loss-of-function variants in PPT1 are known to be pathogenic (PMID: 10679943, 21990111). This variant is not present in population databases (gnomAD no frequency). Disruption of this splice site has been observed in individual(s) with infantile neuronal ceroid lipofuscinosis (PMID: 10679943). In at least one individual the data is consistent with being in trans (on the opposite chromosome) from a pathogenic variant. Algorithms developed to predict the effect of sequence changes on RNA splicing suggest that this variant may disrupt the consensus splice site. For these reasons, this variant has been classified as Pathogenic.

Literature cited by the submitters: PubMed 16199547; PubMed 10679943; PubMed 21990111.